The following is an entry in ClinVar:

NM_000383.4(AIRE):c.1095+4T>G

Gene: AIRE (autoimmune regulator; plus strand). Cytogenetic location: 21q22.3.
Variant type: single nucleotide variant.
Coding change: c.1095+4T>G on transcript NM_000383.4 (MANE Select); 4 bases into the intron after coding-DNA position 1095, T replaced by G.
Molecular consequence: intron variant.
Genome position (GRCh38, 1-based): chr21:44,292,405, T>G. VCF-style: chr21-44292405-T-G. GRCh37 (hg19) VCF-style: chr21-45712288-T-G.
Identifiers: ClinVar variation 1988424 (VCV001988424.1), dbSNP rs2040551419, ClinGen allele CA2391568200.
Genomic context (GRCh38, chr21:44,292,405, plus strand): 5'-GAGGTGCAGCCCCGGGCAGAGGAGCCCCGGCCCCAGGAGCCACCCGTGGAGACCCCGGTA[T>G]GGCCACGCCCCCTCCTAGCCGGGCCACCCCTCCTGTCCACATGGCCACGCCCCCTCCTAG-3'

ClinVar aggregate classification (germline): Uncertain significance (1 of 4 stars; one submission).

Conditions:
Polyglandular autoimmune syndrome, type 1 (APS1). Also called: PGA I; Whitaker syndrome; AUTOIMMUNE POLYENDOCRINE SYNDROME, TYPE I, WITH OR WITHOUT REVERSIBLE METAPHYSEAL DYSPLASIA; Autoimmune polyendocrine syndrome type 1; Autoimmune polyendocrinopathy syndrome, type I; HYPOADRENOCORTICISM WITH HYPOPARATHYROIDISM AND SUPERFICIAL MONILIASIS. Identifiers: Orphanet 3453, MedGen C0085859, MONDO:0009411, OMIM 240300.

Allele frequency attached by ClinVar (database versions not stated): TOPMed below 0.00001.
gnomAD v4.1: 1 of 1,547,074 alleles (0.000065%); no homozygotes.

Submission:

Labcorp Genetics (formerly Invitae), Labcorp
Classification: Uncertain significance for Polyglandular autoimmune syndrome, type 1. Last evaluated: 2022-07-03. Review status: criteria provided, single submitter. Criteria: Invitae Variant Classification Sherloc (09022015). Collection method: clinical testing. Allele origin: germline.
Comment: This sequence change falls in intron 9 of the AIRE gene. It does not directly change the encoded amino acid sequence of the AIRE protein. It affects a nucleotide within the consensus splice site. This variant is not present in population databases (gnomAD no frequency). This variant has not been reported in the literature in individuals affected with AIRE-related conditions. Variants that disrupt the consensus splice site are a relatively common cause of aberrant splicing (PMID: 17576681, 9536098). Algorithms developed to predict the effect of sequence changes on RNA splicing suggest that this variant is not likely to affect RNA splicing. In summary, the available evidence is currently insufficient to determine the role of this variant in disease. Therefore, it has been classified as a Variant of Uncertain Significance.

Literature cited by the submitters: PubMed 17576681; PubMed 9536098.